The following is an entry in ClinVar:

ClinVar aggregate classification (germline): Likely benign. Review status: criteria provided, multiple submitters, no conflicts (2 of 4 stars). 2 submissions from 2 submitters: Likely benign (2). Last evaluated 2025-02-04.

Conditions:
Lung cancer. Also called: Lung cancer, somatic; Malignant tumor of lung. Identifiers: MedGen C0242379, MONDO:0008903, OMIM 211980.
EGFR-related lung cancer (EGFR). Identifiers: MedGen CN130014.

Submissions (2):

Labcorp Genetics (formerly Invitae), Labcorp
Classification: Likely benign for EGFR-related lung cancer. Last evaluated: 2025-02-04. Review status: criteria provided, single submitter. Criteria: Invitae Variant Classification Sherloc (09022015). Collection method: clinical testing. Allele origin: germline.

Myriad Genetics, Inc.
Classification: Likely benign for Lung cancer. Last evaluated: 2024-10-16. Review status: criteria provided, single submitter. Criteria: Myriad Autosomal Dominant, Autosomal Recessive and X-Linked Classification Criteria (2023). Collection method: clinical testing. Allele origin: unknown.
Comment: This variant is considered likely benign. This variant is intronic and is not expected to impact mRNA splicing.

NM_005228.5(EGFR):c.2470-15T>C

Gene: EGFR (epidermal growth factor receptor; plus strand). Cytogenetic location: 7p11.2.
Variant type: single nucleotide variant.
Coding change: c.2470-15T>C on transcript NM_005228.5 (MANE Select); 15 bases into the intron before coding-DNA position 2470, T replaced by C.
Molecular consequence: intron variant.
Genome position (GRCh38, 1-based): chr7:55,191,704, T>C. VCF-style: chr7-55191704-T-C. GRCh37 (hg19) VCF-style: chr7-55259397-T-C.
Other names: c.2335-15T>C (NM_001346899.2, NM_001346897.2); c.1669-15T>C (NM_001346941.2); c.2470-15T>C (NM_001346898.2); c.2311-15T>C (NM_001346900.2).
Identifiers: ClinVar variation 3674126 (VCV003674126.3).